The following is an entry in ClinVar:

ClinVar aggregate classification (germline): Uncertain significance. Review status: criteria provided, multiple submitters, no conflicts (2 of 4 stars). 3 submissions from 3 submitters: Uncertain significance (3). Last evaluated 2026-06-10.

Allele frequency attached by ClinVar (database versions not stated): gnomAD 0.00001; ESP Exome Variant Server 0.00008; ExAC 0.00001; TOPMed 0.00002.
gnomAD v4.1: 61 of 1,612,390 alleles (0.0038%); highest among the groups gnomAD compares: Non-Finnish European, 0.0048%; no homozygotes.

Submissions (3):

GeneDx
Classification: Uncertain significance. Last evaluated: 2026-06-10. Review status: criteria provided, single submitter. Criteria: GeneDx Variant Classification Process June 2021. Collection method: clinical testing. Allele origin: germline.
Comment: Nonsense variant predicted to result in protein truncation or nonsense mediated decay in a gene or region of a gene for which loss of function is not a well-established mechanism of disease; Observed in an individual with breast cancer (PMID: 30224651); Not observed at significant frequency in large population cohorts (gnomAD); Variants in candidate genes are classified as variants of uncertain significance in accordance with ACMG guidelines (PMID: 25741868); This variant is associated with the following publications: (PMID: 32517021, 29625052, 30224651, 36451132)

Labcorp Genetics (formerly Invitae), Labcorp
Classification: Uncertain significance. Last evaluated: 2025-08-27. Review status: criteria provided, single submitter. Criteria: Invitae Variant Classification Sherloc (09022015). Collection method: clinical testing. Allele origin: germline.
Comment: This sequence change creates a premature translational stop signal (p.Tyr492*) in the RECQL gene. It is expected to result in an absent or disrupted protein product. However, the current clinical and genetic evidence is not sufficient to establish whether loss-of-function variants in RECQL cause disease. This variant is present in population databases (rs370785080, gnomAD 0.004%). This premature translational stop signal has been observed in individual(s) with breast cancer (PMID: 29625052, 30224651, 32517021). ClinVar contains an entry for this variant (Variation ID: 1060246). In summary, the available evidence is currently insufficient to determine the role of this variant in disease. Therefore, it has been classified as a Variant of Uncertain Significance.

Ambry Genetics
Classification: Uncertain significance. Last evaluated: 2023-03-15. Review status: criteria provided, single submitter. Criteria: Ambry Variant Classification Scheme 2023. Collection method: clinical testing. Allele origin: germline.
Comment: The p.Y492* variant (also known as c.1476C>G), located in coding exon 12 of the RECQL gene, results from a C to G substitution at nucleotide position 1476. This changes the amino acid from a tyrosine to a stop codon within coding exon 12. This alteration is expected to result in loss of function by premature protein truncation or nonsense-mediated mRNA decay. The evidence for this gene-disease relationship is limited; therefore, the clinical significance of this alteration is unclear.

Literature cited by the submitters: PubMed 29625052 (cited by Labcorp Genetics (formerly Invitae), Labcorp); PubMed 30224651 (cited by Labcorp Genetics (formerly Invitae), Labcorp and Ambry Genetics); PubMed 32517021 (cited by Labcorp Genetics (formerly Invitae), Labcorp).

NM_002907.4(RECQL):c.1476C>G (p.Tyr492Ter)

Gene: RECQL (RecQ like helicase; minus strand). Cytogenetic location: 12p12.1.
Variant type: single nucleotide variant.
Coding change: c.1476C>G on transcript NM_002907.4 (MANE Select); coding-DNA position 1476, C replaced by G.
Protein change: p.Tyr492Ter; replaces tyrosine 492 with a stop codon.
Molecular consequence: nonsense.
Genome position (GRCh38, 1-based): chr12:21,471,619, G>C on the plus strand (C>G on the coding strand, the complement: RECQL is on the minus strand). VCF-style: chr12-21471619-G-C. GRCh37 (hg19) VCF-style: chr12-21624553-G-C.
Other names: c.1476C>G, p.Tyr492Ter (NM_032941.3); short protein forms Y492*.
Identifiers: ClinVar variation 1060246 (VCV001060246.12), dbSNP rs370785080, ClinGen allele CA6478734.